The following is an entry in ClinVar:

ClinVar aggregate classification (germline): Uncertain significance (1 of 4 stars; one submission).

Conditions:
Lissencephaly due to TUBA1A mutation (CDCBM16). Also called: Lissencephaly 3; CORTICAL DYSPLASIA, COMPLEX, WITH OTHER BRAIN MALFORMATIONS 16. Identifiers: Orphanet 171680, MedGen C4305153, MONDO:0012703, OMIM 611603.

Submission:

Broad Center for Mendelian Genomics, Broad Institute of MIT and Harvard
Classification: Uncertain significance for Lissencephaly due to TUBA1A mutation. Last evaluated: 2024-05-22. Review status: criteria provided, single submitter. Criteria: ACMG Guidelines, 2015. Collection method: curation. Allele origin: germline. Inheritance: Autosomal dominant inheritance.
Comment: Trio exome analysis showed this variant to be de novo. The variant has not been previously reported in individuals with lissencephaly 3, and was absent from large population studies. Computational prediction tools and conservation analyses suggest that this variant may impact the protein, though this information is not predictive enough to determine pathogenicity. The number of missense variants reported in TUBA1A in the general population is lower than expected, suggesting there is little benign variation in this gene and slightly increasing the possibility that a missense variant in this gene may not be tolerated. In summary, the clinical significance of the p.Tyr185His variant is uncertain. ACMG/AMP Criteria applied: PS2_Supporting, PM2_Supporting, PP3, PP2 (Richards 2015).

NM_006009.4(TUBA1A):c.553T>C (p.Tyr185His)

Gene: TUBA1A (tubulin alpha 1a; minus strand). Cytogenetic location: 12q13.12.
Variant type: single nucleotide variant.
Coding change: c.553T>C on transcript NM_006009.4 (MANE Select); coding-DNA position 553, T replaced by C.
Protein change: p.Tyr185His; replaces tyrosine 185 with histidine.
Molecular consequence: missense variant.
Genome position (GRCh38, 1-based): chr12:49,185,813, A>G on the plus strand (T>C on the coding strand, the complement: TUBA1A is on the minus strand). VCF-style: chr12-49185813-A-G. GRCh37 (hg19) VCF-style: chr12-49579596-A-G.
Other names: NM_001270400.2:c.448T>C; c.553T>C, p.Tyr185His (NM_001270399.2); c.448T>C, p.Tyr150His (NM_001270400.2); short protein forms Y150H, Y185H.
Identifiers: ClinVar variation 3236675 (VCV003236675.1), dbSNP rs2498860900, ClinGen allele CA384641811.